The following is an entry in ClinVar:

ClinVar aggregate classification (germline): Conflicting classifications of pathogenicity. Review status: criteria provided, conflicting classifications (1 of 4 stars). 2 submissions from 2 submitters: Uncertain significance (1); Likely benign (1). Last evaluated 2025-12-30.

Submissions (2):

Labcorp Genetics (formerly Invitae), Labcorp
Classification: Likely benign. Last evaluated: 2025-12-30. Review status: criteria provided, single submitter. Criteria: Invitae Variant Classification Sherloc (09022015). Collection method: clinical testing. Allele origin: germline.

Genetic Services Laboratory, University of Chicago
Classification: Uncertain significance. Last evaluated: 2021-06-16. Review status: criteria provided, single submitter. Criteria: ACMG Guidelines, 2015. Collection method: clinical testing. Allele origin: germline. Affected: no.
Comment: DNA sequence analysis of the SRP72 gene demonstrated a 2-base pair deletion in intron 13, c.1321-4_1321-3del. This sequence change is absent from known population databases (gnomAD). This sequence change is not clearly predicted to have a deleterious effect on splicing based on in silico splice prediction programs. This change does not appear to have been previously described in patients with SRP72-related disorders. It is possible that this sequence change represents a benign sequence change in the SRP72 gene that has not been identified to date. As such, the clinical and functional significance of this sequence change is not known at present.

NM_006947.4(SRP72):c.1321-4_1321-3del

Gene: SRP72 (signal recognition particle 72; plus strand). Cytogenetic location: 4q12.
Variant type: Deletion.
Coding change: c.1321-4_1321-3del on transcript NM_006947.4 (MANE Select); 4 bases into the intron before coding-DNA position 1321 through 3 bases into the intron before coding-DNA position 1321, 2 bases deleted (GT; older notation c.1321-4_1321-3delGT).
Molecular consequence: intron variant.
Genome position (GRCh38, 1-based): chr4:56,490,329-56,490,330, GT deleted; deleting any 2 consecutive bases within chr4:56,490,328-56,490,330 gives the same sequence; the c. name uses the placement nearest the transcript's 3' end. VCF-style (leftmost placement, unchanged base first): chr4-56490327-CTG-C. GRCh37 (hg19) VCF-style: chr4-57356493-CTG-C.
Other names: c.1138-4_1138-3del (NM_001267722.2).
Identifiers: ClinVar variation 1337969 (VCV001337969.11), dbSNP rs1259551381, ClinGen allele CA796521096.
Genomic context (GRCh38, chr4:56,490,327, plus strand): 5'-TATAACTGCATGCACTTGCTAGATATTTAACTTGAAACTTTTTTTTTCTTTTTATTGAAA[CTG>C]TAGCCAAAATCTCCTGCTCATTTGTCCTTGATAAGAGAAGCTGCAAACTTCAAACTCAAA-3'